The following is an entry in ClinVar:

ClinVar aggregate classification (germline): Uncertain significance (1 of 4 stars; one submission).

Allele frequency attached by ClinVar (database versions not stated): TOPMed below 0.00001; gnomAD 0.00001; gnomAD exomes 0.00001.
gnomAD v4.1: 6 of 1,614,058 alleles (0.00037%); highest among the groups gnomAD compares: Admixed American, 0.0083%; no homozygotes.

Submission:

Labcorp Genetics (formerly Invitae), Labcorp
Classification: Uncertain significance. Last evaluated: 2022-06-01. Review status: criteria provided, single submitter. Criteria: Invitae Variant Classification Sherloc (09022015). Collection method: clinical testing. Allele origin: germline.
Comment: In summary, the available evidence is currently insufficient to determine the role of this variant in disease. Therefore, it has been classified as a Variant of Uncertain Significance. Algorithms developed to predict the effect of missense changes on protein structure and function are either unavailable or do not agree on the potential impact of this missense change (SIFT: "Tolerated"; PolyPhen-2: "Probably Damaging"; Align-GVGD: "Class C0"). This variant has not been reported in the literature in individuals affected with TMEM199-related conditions. This variant is present in population databases (no rsID available, gnomAD 0.003%). This sequence change replaces valine, which is neutral and non-polar, with leucine, which is neutral and non-polar, at codon 198 of the TMEM199 protein (p.Val198Leu).

NM_152464.3(VMA12):c.592G>T (p.Val198Leu)

Gene: VMA12 (vacuolar ATPase assembly factor VMA12; plus strand). Cytogenetic location: 17q11.2.
Variant type: single nucleotide variant.
Coding change: c.592G>T on transcript NM_152464.3 (MANE Select); coding-DNA position 592, G replaced by T.
Protein change: p.Val198Leu; replaces valine 198 with leucine.
Molecular consequence: missense variant.
Genome position (GRCh38, 1-based): chr17:28,361,217, G>T. VCF-style: chr17-28361217-G-T. GRCh37 (hg19) VCF-style: chr17-26688239-G-T.
Other names: short protein forms V198L.
Identifiers: ClinVar variation 1897992 (VCV001897992.5), dbSNP rs1555582124, ClinGen allele CA398316523.